The following is an entry in ClinVar:

NM_000520.6(HEXA):c.982del (p.Cys328fs)

Gene: HEXA (hexosaminidase subunit alpha; minus strand). Cytogenetic location: 15q23.
Variant type: Deletion.
Coding change: c.982del on transcript NM_000520.6 (MANE Select); coding-DNA position 982, one base deleted (T; older notation c.982delT).
Protein change: p.Cys328fs; shifts the reading frame from cysteine 328.
Molecular consequence: frameshift variant. On other transcripts: non-coding transcript variant (1).
Genome position (GRCh38, 1-based): chr15:72,349,083, A deleted on the plus strand (T on the coding strand, the reverse complement: HEXA is on the minus strand). VCF-style (leftmost placement, unchanged base first): chr15-72349082-CA-C. GRCh37 (hg19) VCF-style: chr15-72641423-CA-C.
Other names: c.1015del, p.Cys339fs (NM_001318825.2); short protein forms C328fs, C339fs.
Identifiers: ClinVar variation 5013532 (VCV005013532.1).
Genomic context (GRCh38, chr15:72,349,082, plus strand): 5'-TTCTATTCTGAGTAAGCAACTGATCAGGCCACAGTGGGAAGATCAAAGGGCTCATACCAG[CA>C]GGTGAAATCAACCTCATCTCCTCCAAGATGAAGATAAAAATCTGGGAAGACAGAGCTGAC-3'

ClinVar aggregate classification (germline): Pathogenic (1 of 4 stars; one submission).

Conditions:
Tay-Sachs disease (TSD). Also called: HEXA DEFICIENCY; GM2 gangliosidosis, type 1; Hexosaminidase alpha-subunit deficiency (variant B); Sphingolipidosis, Tay-Sachs; Hexosaminidase A Deficiency; HEXA Disorders. Identifiers: Orphanet 845, MedGen C0039373, MONDO:0010100, OMIM 272800.

Submission:

Myriad Genetics, Inc.
Classification: Pathogenic for Tay-Sachs disease. Last evaluated: 2024-09-07. Review status: criteria provided, single submitter. Criteria: Myriad Autosomal Dominant, Autosomal Recessive and X-Linked Classification Criteria (2023). Collection method: clinical testing. Allele origin: unknown.
Comment: NM_000520.4(HEXA):c.982delT(C328Afs*12) is expected to be pathogenic in the context of hexosaminidase A deficiency. This variant is predicted to lead to an abnormal or absent protein product due to the creation of a premature termination codon in HEXA, a gene where loss-of-function variants are known to be pathogenic. Please note: this variant was assessed in the context of healthy population screening.